The following is an entry in ClinVar:

ClinVar aggregate classification (germline): Benign/Likely benign. Review status: criteria provided, multiple submitters, no conflicts (2 of 4 stars). 15 submissions from 14 submitters: Benign (7); Likely benign (8). Last evaluated 2026-08-01.

Conditions:
Fanconi renotubular syndrome 4 with maturity-onset diabetes of the young (FRTS4). Also called: FRTS4 WITH MODY. Identifiers: Orphanet 93111, MedGen C4014962, MONDO:0014458, OMIM 616026.
Type 2 diabetes mellitus. Also called: Type II diabetes mellitus. Identifiers: MedGen C0011860, MeSH D003924, MONDO:0005148, OMIM 125853, HP:0005978.
Maturity-onset diabetes of the young type 1. Also called: MILD JUVENILE DIABETES MELLITUS; MODY, type I; MODY type 1; Diabetes mellitus MODY type 1; MODY HNF4A related; HNF4A-Related Maturity-Onset Diabetes of the Young Type 1. Identifiers: Orphanet 552, MedGen C1852093, MONDO:0007452, OMIM 125850. Disease mechanism: loss of function.
Maturity-onset diabetes of the young (MODY). Also called: Maturity onset diabetes mellitus in young. Identifiers: Orphanet 552, MedGen C0342276, MONDO:0018911, HP:0004904.
Familial hyperinsulinism. Also called: Congenital hyperinsulinism. Identifiers: Orphanet 276525, MedGen C3888018, MONDO:0017182. Disease mechanism: loss of function.

Allele frequency attached by ClinVar (database versions not stated): 1000 Genomes Project 30x 0.00203; TOPMed 0.00392; ESP Exome Variant Server 0.00500; gnomAD exomes 0.00351 and 0.00588; ExAC 0.00383; 1000 Genomes Project 0.00200; gnomAD 0.00384 and 0.00389.
gnomAD v4.1: 9,194 of 1,614,170 alleles (0.57%); highest among the groups gnomAD compares: Non-Finnish European, 0.69%; 34 homozygotes.

Submissions (15):

CeGaT Center for Human Genetics Tuebingen
Classification: Likely benign. Last evaluated: 2026-08-01. Review status: criteria provided, single submitter. Criteria: CeGaT Center For Human Genetics Tuebingen Variant Classification Criteria Version 2. Collection method: clinical testing. Allele origin: germline. Affected: yes. Observed: 8 variant alleles.
Comment: HNF4A: BP4, BP7, BS2

Labcorp Genetics (formerly Invitae), Labcorp
Classification: Benign. Last evaluated: 2026-01-26. Review status: criteria provided, single submitter. Criteria: Invitae Variant Classification Sherloc (09022015). Collection method: clinical testing. Allele origin: germline.

ARUP Laboratories, Molecular Genetics and Genomics, ARUP Laboratories
Classification: Benign. Last evaluated: 2025-01-16. Review status: criteria provided, single submitter. Criteria: ARUP Molecular Germline Variant Investigation Process 2024. Collection method: clinical testing. Allele origin: germline.

Mayo Clinic Laboratories, Mayo Clinic
Classification: Benign. Last evaluated: 2024-12-23. Review status: criteria provided, single submitter. Criteria: ACMG Guidelines, 2015. Collection method: clinical testing. Allele origin: germline. Observed: 1 variant allele.
Comment: BS1, BS2, BP4, BP7

Blueprint Genetics
Classification: Likely benign. Last evaluated: 2024-11-28. Review status: criteria provided, single submitter. Criteria: ACMG Guidelines, 2015. Collection method: clinical testing. Allele origin: germline.

Fulgent Genetics
Classification: Likely benign for Maturity-onset diabetes of the young type 1; Type 2 diabetes mellitus; Fanconi renotubular syndrome 4 with maturity-onset diabetes of the young. Last evaluated: 2021-12-01. Review status: criteria provided, single submitter. Criteria: ACMG Guidelines, 2015. Collection method: clinical testing. Allele origin: unknown.

GeneDx
Classification: Likely benign. Last evaluated: 2020-09-13. Review status: criteria provided, single submitter. Criteria: GeneDx Variant Classification Process June 2021. Collection method: clinical testing. Allele origin: germline. Affected: yes.

Athena Diagnostics
Classification: Benign. Last evaluated: 2017-07-12. Review status: criteria provided, single submitter. Criteria: Athena Diagnostics Criteria. Collection method: clinical testing. Allele origin: germline.

Illumina Laboratory Services, Illumina
Classification: Likely benign for Familial hyperinsulinism. Last evaluated: 2017-04-27. Review status: criteria provided, single submitter. Criteria: ICSL Variant Classification Criteria 13 December 2019. Collection method: clinical testing. Allele origin: germline.
Comment: This variant was observed as part of a predisposition screen in an ostensibly healthy population. A literature search was performed for the gene, cDNA change, and amino acid change (where applicable). No publications were found based on this search. Allele frequency data from public databases allowed determination this variant is unlikely to cause disease. Therefore, this variant is classified as likely benign.

Illumina Laboratory Services, Illumina
Classification: Likely benign for Maturity-onset diabetes of the young type 1. Last evaluated: 2017-04-27. Review status: criteria provided, single submitter. Criteria: ICSL Variant Classification Criteria 13 December 2019. Collection method: clinical testing. Allele origin: germline.
Comment: the same text as in the submission from Illumina Laboratory Services, Illumina above.

Ambry Genetics
Classification: Likely benign for Maturity-onset diabetes of the young. Last evaluated: 2017-01-19. Review status: criteria provided, single submitter. Criteria: Ambry Variant Classification Scheme 2023. Collection method: clinical testing. Allele origin: germline.

Women's Health and Genetics/Laboratory Corporation of America, LabCorp
Classification: Benign for MODY1. Last evaluated: 2011-08-18. Review status: criteria provided, single submitter. Criteria: LabCorp Variant Classification Summary - May 2015. Collection method: curation, clinical testing. Allele origin: germline. Inheritance: autosomal unknown. Affected: yes.
ClinVar note: Converted during submission from benign to Benign.

Breakthrough Genomics
Classification: Likely benign. Review status: criteria provided, single submitter. Criteria: ACMG Guidelines, 2015. Collection method: not provided. Allele origin: germline. Inheritance: Autosomal dominant inheritance. Affected: yes.

Clinical Genomics, Uppaluri K&H Personalized Medicine Clinic
Classification: Benign for Maturity-onset diabetes of the young. Review status: criteria provided, single submitter. Criteria: K & H Uppaluri Personalized Medicine Clinic Variant Classification & Assertion Criteria_Updated V.1. Collection method: research. Allele origin: unknown. Inheritance: Autosomal dominant inheritance.
Comment: Potent mutations in HNF4A are associated with poor insulin secretion in response to hyperglycemia. Associated with MODY1. Patients initially respond well to sulfonylureas but eventually become insulin dependent. However, more evidence is required to ascertain the role of this particular variant rs61737145 in MODY, yet.

PreventionGenetics, part of Exact Sciences
Classification: Benign. Review status: criteria provided, single submitter. Criteria: ACMG Guidelines, 2015. Collection method: clinical testing. Allele origin: germline.

Literature cited by the submitters: DOI 10.1159/000334532 (cited by Clinical Genomics, Uppaluri K&H Personalized Medicine Clinic); PubMed 18268044 (cited by Clinical Genomics, Uppaluri K&H Personalized Medicine Clinic); PubMed 17563455 (cited by Clinical Genomics, Uppaluri K&H Personalized Medicine Clinic); PubMed 32583173 (cited by Clinical Genomics, Uppaluri K&H Personalized Medicine Clinic); PubMed 35052457 (cited by Clinical Genomics, Uppaluri K&H Personalized Medicine Clinic); PubMed 35118593 (cited by Clinical Genomics, Uppaluri K&H Personalized Medicine Clinic).

NM_175914.5(HNF4A):c.1137C>T (p.Asn379=)

Gene: HNF4A (hepatocyte nuclear factor 4 alpha; plus strand). Cytogenetic location: 20q13.12.
Variant type: single nucleotide variant.
Coding change: c.1137C>T on transcript NM_175914.5 (MANE Select); coding-DNA position 1137, C replaced by T.
Protein change: p.Asn379=; no amino-acid change (asparagine 379 retained).
Molecular consequence: synonymous variant.
Genome position (GRCh38, 1-based): chr20:44,428,408, C>T. VCF-style: chr20-44428408-C-T. GRCh37 (hg19) VCF-style: chr20-43057048-C-T.
Other names: p.Asn379=; c.1203C>T, p.Asn401= (NM_000457.6, NM_178849.3); c.1137C>T, p.Asn379= (NM_001030003.3); c.1182C>T, p.Asn394= (NM_001258355.2); c.1128C>T, p.Asn376= (NM_001287182.2, NM_001287183.2).
Identifiers: ClinVar variation 36343 (VCV000036343.51), dbSNP rs61737145, ClinGen allele CA213899.